The following is an entry in ClinVar:

ClinVar aggregate classification (germline): Conflicting classifications of pathogenicity. Review status: criteria provided, conflicting classifications (1 of 4 stars). 2 submissions from 2 submitters: Uncertain significance (1); Benign (1). Last evaluated 2024-12-26.

Conditions:
Lynch syndrome. Identifiers: Orphanet 144, MedGen C4552100, MONDO:0005835. Disease mechanism: loss of function.
Lynch syndrome 5 (LYNCH5). Also called: Colorectal cancer, hereditary nonpolyposis, type 5; Hereditary non-polyposis colorectal cancer, type 5. Identifiers: Orphanet 144, MedGen C1833477, MONDO:0013710, OMIM 614350. Disease mechanism: loss of function.

Allele frequency attached by ClinVar (database versions not stated): TOPMed below 0.00001.

Submissions (2):

Myriad Genetics, Inc.
Classification: Benign for Lynch syndrome 5. Last evaluated: 2024-12-26. Review status: criteria provided, single submitter. Criteria: Myriad Autosomal Dominant, Autosomal Recessive and X-Linked Classification Criteria (2023). Collection method: clinical testing. Allele origin: unknown.
Comment: This variant is considered benign. This variant is a silent/synonymous amino acid change and it is not expected to impact splicing.

University of Washington Department of Laboratory Medicine, University of Washington
Classification: Uncertain significance for Lynch syndrome. Last evaluated: 2018-05-01. Review status: criteria provided, single submitter. Criteria: Shirts BH et al. (Am J Hum Genet 2018). Collection method: clinical testing. Allele origin: somatic. Affected: yes.
Comment: MSH6 NM_000179.2:c.1401C>T has a 14.1% probability of pathogenicity based on combining prior probability from public data with a likelihood ratio of 0.16 to 1, generated from evidence of seeing this as a somatic mutation in a tumor with loss of heterozygosity at the MSH6 locus. See Shirts et al 2018, PMID 29887214.

NM_000179.3(MSH6):c.1401C>T (p.Gly467=)

Gene: MSH6 (mutS homolog 6; plus strand). Cytogenetic location: 2p16.3.
Variant type: single nucleotide variant.
Coding change: c.1401C>T on transcript NM_000179.3 (MANE Select); coding-DNA position 1401, C replaced by T.
Protein change: p.Gly467=; no amino-acid change (glycine 467 retained).
Molecular consequence: synonymous variant.
Genome position (GRCh38, 1-based): chr2:47,799,384, C>T. VCF-style: chr2-47799384-C-T. GRCh37 (hg19) VCF-style: chr2-48026523-C-T.
Other names: c.1011C>T, p.Gly337= (NM_001281492.2); c.495C>T, p.Gly165= (NM_001281493.2, NM_001281494.2).
Identifiers: ClinVar variation 619548 (VCV000619548.4), dbSNP rs1558661556, ClinGen allele CA426121155.